The following is an entry in ClinVar:

NM_001042492.3(NF1):c.3826_3827delinsGA (p.Arg1276Glu)

Gene: NF1 (neurofibromin 1; plus strand). Cytogenetic location: 17q11.2.
Variant type: Indel.
Coding change: c.3826_3827delinsGA on transcript NM_001042492.3 (MANE Select); coding-DNA positions 3826 to 3827, CG replaced by GA.
Protein change: p.Arg1276Glu; replaces arginine 1276 with glutamic acid.
Molecular consequence: missense variant.
Genome position (GRCh38, 1-based): chr17:31,235,728-31,235,729, CG replaced by GA. VCF-style: chr17-31235728-CG-GA. GRCh37 (hg19) VCF-style: chr17-29562746-CG-GA.
Other names: c.3826_3827delCGinsGA, p.Arg1276Glu (NM_000267.4); short protein forms R1276E.
Identifiers: ClinVar variation 2972855 (VCV002972855.3), dbSNP rs2508260091, ClinGen allele CA2695225724.
Genomic context (GRCh38, chr17:31,235,728, plus strand): 5'-CTGCTCTGGAACATGTTTTCTAAAGAAGTAGAATTGGCAGACTCCATGCAGACTCTCTTC[CG>GA]AGGCAACAGCTTGGCCAGTAAAATAATGACATTCTGTTTCAAGGTTTGTATCATTCATTT-3'
Protein context (NP_001035957.1, residues 1266-1286): ELADSMQTLF[Arg1276Glu]GNSLASKIMT

ClinVar aggregate classification (germline): Uncertain significance (1 of 4 stars; one submission).

Conditions:
Neurofibromatosis, type 1 (NF1). Also called: Peripheral type neurofibromatosis; NEUROFIBROMATOSIS, TYPE I, SOMATIC; Neurofibromatosis, type I; VON RECKLINGHAUSEN DISEASE. Identifiers: Orphanet 636, MedGen C0027831, MONDO:0018975, OMIM 162200. Disease mechanism: loss of function.

Submission:

Labcorp Genetics (formerly Invitae), Labcorp
Classification: Uncertain significance for Neurofibromatosis, type 1. Last evaluated: 2022-11-24. Review status: criteria provided, single submitter. Criteria: Invitae Variant Classification Sherloc (09022015). Collection method: clinical testing. Allele origin: germline.
Comment: This sequence change replaces arginine, which is basic and polar, with glutamic acid, which is acidic and polar, at codon 1276 of the NF1 protein (p.Arg1276Glu). Information on the frequency of this variant in the gnomAD database is not available, as this variant may be reported differently in the database. This missense change has been observed in individual(s) with clinical features of NF1-related conditions (PMID: 22155606, 31595648). Algorithms developed to predict the effect of missense changes on protein structure and function are either unavailable or do not agree on the potential impact of this missense change (SIFT: "Not Available"; PolyPhen-2: "Probably Damaging"; Align-GVGD: "Not Available"). This variant disrupts the p.Arg1276 amino acid residue in NF1. Other variant(s) that disrupt this residue have been determined to be pathogenic (PMID: 9109662, 10712197, 15060124, 16479075, 22807134). This suggests that this residue is clinically significant, and that variants that disrupt this residue are likely to be disease-causing. In summary, the available evidence is currently insufficient to determine the role of this variant in disease. Therefore, it has been classified as a Variant of Uncertain Significance.

Literature cited by the submitters: PubMed 22155606; PubMed 31595648; PubMed 9109662; PubMed 10712197; PubMed 15060124; PubMed 16479075; PubMed 22807134.